The following is an entry in ClinVar:

NM_016373.4(WWOX):c.172G>A (p.Asp58Asn)

Gene: WWOX (WW domain containing oxidoreductase; plus strand). Cytogenetic location: 16q23.1.
Variant type: single nucleotide variant.
Coding change: c.172G>A on transcript NM_016373.4 (MANE Select); coding-DNA position 172, G replaced by A.
Protein change: p.Asp58Asn; replaces aspartic acid 58 with asparagine.
Molecular consequence: missense variant. On other transcripts: non-coding transcript variant (1), intron variant (1).
Genome position (GRCh38, 1-based): chr16:78,108,487, G>A. VCF-style: chr16-78108487-G-A. GRCh37 (hg19) VCF-style: chr16-78142384-G-A.
Other names: NC_000016.9:g.78142384G>A; c.172G>A, p.Asp58Asn (NM_130791.5); c.-167-1291G>A (NM_001291997.2); short protein forms D58N.
Identifiers: ClinVar variation 429263 (VCV000429263.3), dbSNP rs1131691285, ClinGen allele CA396842111.

ClinVar aggregate classification (germline): Likely pathogenic (1 of 4 stars; one submission).

Allele frequency attached by ClinVar (database versions not stated): gnomAD 0.00001; gnomAD exomes 0.00001; TOPMed 0.00001.
gnomAD v4.1: 7 of 1,613,782 alleles (0.00043%); highest among the groups gnomAD compares: Admixed American, 0.0067%; no homozygotes.

Submissions (2):

GeneDx
Classification: Likely pathogenic. Last evaluated: 2015-08-10. Review status: criteria provided, single submitter. Criteria: GeneDx Variant Classification (06012015). Collection method: clinical testing. Allele origin: germline. Affected: yes.
Comment: The D58N variant in the WWOX gene has not been published as a pathogenic variant, nor has it been reported as a benign polymorphism to our knowledge. The D58N variant was not observed in approximately 6,000 individuals of European and African American ancestry in the NHLBI Exome Sequencing Project, indicating it is not a common benign variant in these populations. The D58N variant is a semi-conservative amino acid substitution, which may impact secondary protein structure as these residues differ in some properties. This substitution occurs at a position in the WW2 domain that is conserved in mammals. In silico analysis is inconsistent in its predictions as to whether or not the variant is damaging to the protein structure/function. As an alternate mechanism, this variant (c.172 G>A) is also predicted to destroy the natural splice donor site in intron 2, which is expected to cause abnormal gene splicing. However, in the absence of RNA/functional studies, the actual effect of c.172 G>A in this individual is unknown. The D58N (c.172 G>A) variant is a strong candidate for a disease-causing variant, however the possibility it may be a rare benign variant cannot be excluded

Dr. Peter K. Rogan Lab, Western University
No classification provided (evidence only). Condition: Malignant tumor of esophagus. Review status: no classification provided. Collection method: in vitro. Allele origin: not applicable. Functional consequence: skipped exon. Not counted in ClinVar's aggregate classification.